The following is an entry in ClinVar:

ClinVar aggregate classification (germline): Conflicting classifications of pathogenicity. Review status: criteria provided, conflicting classifications (1 of 4 stars). 7 submissions from 7 submitters: Uncertain significance (1); Benign (1); Likely benign (4). 1 of the submissions does not count toward it. Last evaluated 2026-02-01.

Conditions:
Spermatogenic failure 46. Identifiers: MedGen C5436799, MONDO:0033673, OMIM 619095.
Primary ciliary dyskinesia. Also called: Ciliary dyskinesia. Identifiers: Orphanet 244, MedGen C0008780, MONDO:0016575, HP:0012265.

Allele frequency attached by ClinVar (database versions not stated): gnomAD exomes 0.00518 and 0.00611; gnomAD 0.00667 and 0.00685; TOPMed 0.00707; ESP Exome Variant Server 0.00823; 1000 Genomes Project 0.00419; 1000 Genomes Project 30x 0.00500; ExAC 0.00511.
gnomAD v4.1: 9,965 of 1,613,926 alleles (0.62%); highest among the groups gnomAD compares: African/African-American, 0.95%; 38 homozygotes.

Submissions (7):

Labcorp Genetics (formerly Invitae), Labcorp
Classification: Benign for Primary ciliary dyskinesia. Last evaluated: 2026-02-01. Review status: criteria provided, single submitter. Criteria: Invitae Variant Classification Sherloc (09022015). Collection method: clinical testing. Allele origin: germline.

GeneDx
Classification: Uncertain significance. Last evaluated: 2026-01-27. Review status: criteria provided, single submitter. Criteria: GeneDx Variant Classification Process June 2021. Collection method: clinical testing. Allele origin: germline.
Comment: Identified in the heterozygous state in a patient with transposition of the great arteries and abnormal ciliary motion (PMID: 29444099); In silico analysis supports that this missense variant has a deleterious effect on protein structure/function; This variant is associated with the following publications: (PMID: 39267058, 32619401, 29444099, 40847540)

Mayo Clinic Laboratories, Mayo Clinic
Classification: Likely benign. Last evaluated: 2025-04-09. Review status: criteria provided, single submitter. Criteria: ACMG Guidelines, 2015. Collection method: clinical testing. Allele origin: germline. Observed: 1 variant allele.
Comment: BS1, BS2_supporting

CeGaT Center for Human Genetics Tuebingen
Classification: Likely benign. Last evaluated: 2023-06-01. Review status: criteria provided, single submitter. Criteria: CeGaT Center For Human Genetics Tuebingen Variant Classification Criteria Version 2. Collection method: clinical testing. Allele origin: germline. Affected: yes. Observed: 4 variant alleles.
Comment: DNAH8: BS2

Laboratory for Molecular Medicine, Mass General Brigham Personalized Medicine
Classification: Likely benign. Last evaluated: 2016-03-28. Review status: criteria provided, single submitter. Criteria: LMM Criteria. Collection method: clinical testing. Allele origin: germline.
Comment: Variant identified in a genome or exome case(s) and assessed due to predicted null impact of the variant or pathogenic assertions in the literature or databases. Disclaimer: This variant has not undergone full assessment. The following are preliminary notes: Candidate PCD gene, but frequency is high

Breakthrough Genomics
Classification: Likely benign. Review status: criteria provided, single submitter. Criteria: ACMG Guidelines, 2015. Collection method: not provided. Allele origin: germline. Inheritance: Autosomal recessive inheritance. Affected: yes.

OMIM
Classification: Pathogenic for SPERMATOGENIC FAILURE 46. Last evaluated: 2020-11-13. Review status: no assertion criteria provided. Collection method: literature only. Allele origin: germline. Not counted in ClinVar's aggregate classification.

Literature cited by the submitters: PubMed 29444099 (cited by Mayo Clinic Laboratories, Mayo Clinic); PubMed 32619401 (cited by Mayo Clinic Laboratories, Mayo Clinic and OMIM).

NM_001206927.2(DNAH8):c.11771C>T (p.Thr3924Met)

Genes: DNAH8 (dynein axonemal heavy chain 8; plus strand), DNAH8-AS1 (DNAH8 antisense RNA 1; minus strand). Cytogenetic location: 6p21.2.
Variant type: single nucleotide variant.
Coding change: c.11771C>T on transcript NM_001206927.2 (MANE Select); coding-DNA position 11771, C replaced by T.
Protein change: p.Thr3924Met; replaces threonine 3924 with methionine.
Molecular consequence: missense variant.
Genome position (GRCh38, 1-based): chr6:38,938,181, C>T. VCF-style: chr6-38938181-C-T. GRCh37 (hg19) VCF-style: chr6-38905957-C-T.
Other names: c.11120C>T, p.Thr3707Met (NM_001371.4); short protein forms T3924M, T3707M.
Identifiers: ClinVar variation 402771 (VCV000402771.44), dbSNP rs61757218, ClinGen allele CA3791176.